The following is an entry in ClinVar:

ClinVar aggregate classification (germline): Uncertain significance (1 of 4 stars; one submission).

Conditions:
Fanconi anemia complementation group E (FANCE). Also called: FANCE-Related Fanconi Anemia. Identifiers: Orphanet 84, MedGen C3160739, MONDO:0010953, OMIM 600901.

Allele frequency attached by ClinVar (database versions not stated): TOPMed below 0.00001; gnomAD 0.00001; gnomAD exomes 0.00001.
gnomAD v4.1: 17 of 1,614,082 alleles (0.0011%); highest among the groups gnomAD compares: Non-Finnish European, 0.0014%; no homozygotes.

Submission:

Labcorp Genetics (formerly Invitae), Labcorp
Classification: Uncertain significance for Fanconi anemia complementation group E. Last evaluated: 2022-08-11. Review status: criteria provided, single submitter. Criteria: Invitae Variant Classification Sherloc (09022015). Collection method: clinical testing. Allele origin: germline.
Comment: In summary, the available evidence is currently insufficient to determine the role of this variant in disease. Therefore, it has been classified as a Variant of Uncertain Significance. Algorithms developed to predict the effect of missense changes on protein structure and function (SIFT, PolyPhen-2, Align-GVGD) all suggest that this variant is likely to be tolerated. This variant has not been reported in the literature in individuals affected with FANCE-related conditions. This variant is not present in population databases (gnomAD no frequency). This sequence change replaces glutamic acid, which is acidic and polar, with aspartic acid, which is acidic and polar, at codon 263 of the FANCE protein (p.Glu263Asp).

NM_021922.3(FANCE):c.789G>C (p.Glu263Asp)

Gene: FANCE (FA complementation group E; plus strand). Cytogenetic location: 6p21.31.
Variant type: single nucleotide variant.
Coding change: c.789G>C on transcript NM_021922.3 (MANE Select); coding-DNA position 789, G replaced by C.
Protein change: p.Glu263Asp; replaces glutamic acid 263 with aspartic acid.
Molecular consequence: missense variant.
Genome position (GRCh38, 1-based): chr6:35,456,287, G>C. VCF-style: chr6-35456287-G-C. GRCh37 (hg19) VCF-style: chr6-35424064-G-C.
Other names: c.789G>C, p.Glu263Asp (NM_001410876.1); short protein forms E263D.
Identifiers: ClinVar variation 1978841 (VCV001978841.4), dbSNP rs192036100, ClinGen allele CA137295164.